The following is an entry in ClinVar:

ClinVar aggregate classification (germline): Uncertain significance. Review status: criteria provided, multiple submitters, no conflicts (2 of 4 stars). 10 submissions from 10 submitters: Uncertain significance (9). 1 of the submissions does not count toward it. Last evaluated 2025-12-23.

Conditions:
Breast-ovarian cancer, familial, susceptibility to, 5 (BROVCA5). Identifiers: MedGen C5830615, MONDO:0957530, OMIM 620442.
Pancreatic cancer, susceptibility to, 3. Identifiers: Orphanet 1333, MedGen C3150547, MONDO:0013236, OMIM 613348.
Fanconi anemia complementation group N. Also called: PALB2-Related Fanconi Anemia. Identifiers: Orphanet 84, MedGen C1835817, MONDO:0012565, OMIM 610832. Disease mechanism: loss of function.
Hereditary cancer-predisposing syndrome. Also called: Neoplastic Syndromes, Hereditary; Tumor predisposition; Hereditary Cancer Syndrome; Hereditary neoplastic syndrome. Identifiers: Orphanet 140162, MedGen C0027672, MeSH D009386, MONDO:0015356.
Familial cancer of breast. Also called: BREAST CANCER, FAMILIAL; Hereditary breast cancer; hereditary breast carcinoma. Identifiers: Orphanet 227535, MedGen C0346153, MONDO:0016419, OMIM 114480. Disease mechanism: loss of function.

Allele frequency attached by ClinVar (database versions not stated): TOPMed below 0.00001; ExAC 0.00001; gnomAD exomes 0.00001.
gnomAD v4.1: 8 of 1,614,188 alleles (0.0005%); highest among the groups gnomAD compares: Admixed American, 0.0017%; no homozygotes.

Submissions (10):

Labcorp Genetics (formerly Invitae), Labcorp
Classification: Uncertain significance for Familial cancer of breast. Last evaluated: 2025-12-23. Review status: criteria provided, single submitter. Criteria: Invitae Variant Classification Sherloc (09022015). Collection method: clinical testing. Allele origin: germline.
Comment: This sequence change replaces isoleucine, which is neutral and non-polar, with phenylalanine, which is neutral and non-polar, at codon 281 of the PALB2 protein (p.Ile281Phe). This variant is present in population databases (rs751882053, gnomAD 0.003%). This variant has not been reported in the literature in individuals affected with PALB2-related conditions. ClinVar contains an entry for this variant (Variation ID: 216761). An algorithm developed to predict the effect of missense changes on protein structure and function (PolyPhen-2) suggests that this variant is likely to be disruptive. In summary, the available evidence is currently insufficient to determine the role of this variant in disease. Therefore, it has been classified as a Variant of Uncertain Significance.

Color Diagnostics, LLC DBA Color Health
Classification: Uncertain significance for Hereditary cancer-predisposing syndrome. Last evaluated: 2025-11-18. Review status: criteria provided, single submitter. Criteria: ACMG Guidelines, 2015. Collection method: clinical testing. Allele origin: germline.
Comment: This missense variant replaces isoleucine with phenylalanine at codon 281 of the PALB2 protein. This is a missense variant in a gene for which primarily truncating variants are known to cause disease. To our knowledge, functional studies have not been reported for this variant. IThis variant has been detected in a breast cancer case-control meta-analysis in 1/60466 cases and absent in 53461 unaffected individuals (PMID: 33471991LOVD DB-ID PALB2_011117). This variant has been identified in 8/1614188 chromosomes in the general population by the Genome Aggregation Database (gnomAD). The available evidence is insufficient to determine the role of this variant in disease conclusively. Therefore, this variant is classified as a Variant of Uncertain Significance.

Ambry Genetics
Classification: Uncertain significance for Hereditary cancer-predisposing syndrome. Last evaluated: 2025-04-01. Review status: criteria provided, single submitter. Criteria: Ambry Variant Classification Scheme 2023. Collection method: clinical testing. Allele origin: germline.
Comment: The p.I281F variant (also known as c.841A>T), located in coding exon 4 of the PALB2 gene, results from an A to T substitution at nucleotide position 841. The isoleucine at codon 281 is replaced by phenylalanine, an amino acid with highly similar properties. This amino acid position is not well conserved in available vertebrate species. In addition, this alteration is predicted to be tolerated by in silico analysis. Since supporting evidence is limited at this time, the clinical significance of this alteration remains unclear.

Department of Pathology and Laboratory Medicine, Sinai Health System
Classification: Uncertain significance for Fanconi anemia complementation group N; Pancreatic cancer, susceptibility to, 3; Breast-ovarian cancer, familial, susceptibility to, 5. Last evaluated: 2025-02-06. Review status: criteria provided, single submitter. Criteria: ACMG Guidelines, 2015. Collection method: clinical testing. Allele origin: germline.

Blueprint Genetics
Classification: Uncertain significance. Last evaluated: 2024-02-12. Review status: criteria provided, single submitter. Criteria: ACMG Guidelines, 2015. Collection method: clinical testing. Allele origin: germline.

Baylor Genetics
Classification: Uncertain significance for Familial cancer of breast. Last evaluated: 2023-07-29. Review status: criteria provided, single submitter. Criteria: ACMG Guidelines, 2015. Collection method: clinical testing. Allele origin: unknown.

Myriad Genetics, Inc.
Classification: Uncertain significance for Familial cancer of breast. Last evaluated: 2023-03-30. Review status: criteria provided, single submitter. Criteria: Myriad Autosomal Dominant, Autosomal Recessive and X-Linked Classification Criteria (2023). Collection method: clinical testing. Allele origin: unknown.
Comment: This variant is classified as a variant of uncertain significance as there is insufficient evidence to determine its impact on protein function and/or cancer risk.

GeneDx
Classification: Uncertain significance. Last evaluated: 2022-08-03. Review status: criteria provided, single submitter. Criteria: GeneDx Variant Classification Process June 2021. Collection method: clinical testing. Allele origin: germline. Affected: yes.
Comment: Not observed at significant frequency in large population cohorts (gnomAD); In silico analysis supports that this missense variant does not alter protein structure/function; Observed in an individual with breast cancer and not observed in controls (Dorling et al., 2021); This variant is associated with the following publications: (PMID: 19369211, 33471991)

Sema4
Classification: Uncertain significance for Hereditary cancer-predisposing syndrome. Last evaluated: 2021-12-28. Review status: criteria provided, single submitter. Criteria: Sema4 Curation Guidelines. Collection method: curation. Allele origin: germline.
Comment: The PALB2 c.841A>T (p.I281F) variant has not been reported in the literature in individuals with PALB2-related disease. It is reported in 1 case and not in controls in a large dataset of 60,466 women with breast cancer and 53,461controls, but the odds ratio is not significantly supporting enriched in cases vs controls (PMID 33471991). It was observed in 2/251410 chromosomes across all populations, in the large and broad cohorts of the Genome Aggregation Database (PMID: 32461654). This variant has been reported in ClinVar (Variation ID 216761). In silico tools suggest the impact of the variant on protein function is benign, though these predictions have not been confirmed by functional studies. The evidence is insufficient to meet ACMG/AMP criteria for classifying the variant as benign or pathogenic. Thus, the clinical significance of this variant is currently uncertain.

Counsyl
Classification: Uncertain significance for Familial cancer of breast. Last evaluated: 2017-03-24. Review status: no assertion criteria provided. Collection method: clinical testing. Allele origin: unknown. Not counted in ClinVar's aggregate classification.

Literature cited by the submitters: PubMed 33471991 (cited by 3 submitters).

NM_024675.4(PALB2):c.841A>T (p.Ile281Phe)

Gene: PALB2 (partner and localizer of BRCA2; minus strand). Cytogenetic location: 16p12.2.
Variant type: single nucleotide variant.
Coding change: c.841A>T on transcript NM_024675.4 (MANE Select); coding-DNA position 841, A replaced by T.
Protein change: p.Ile281Phe; replaces isoleucine 281 with phenylalanine.
Molecular consequence: missense variant.
Genome position (GRCh38, 1-based): chr16:23,635,705, T>A on the plus strand (A>T on the coding strand, the complement: PALB2 is on the minus strand). VCF-style: chr16-23635705-T-A. GRCh37 (hg19) VCF-style: chr16-23647026-T-A.
Other names: short protein forms I281F.
Identifiers: ClinVar variation 216761 (VCV000216761.28), dbSNP rs751882053, ClinGen allele CA337880.